The following is an entry in ClinVar:

NM_000890.5(KCNJ5):c.528del (p.Ile177fs)

Gene: KCNJ5 (potassium inwardly rectifying channel subfamily J member 5; plus strand). Cytogenetic location: 11q24.3.
Variant type: Deletion.
Coding change: c.528del on transcript NM_000890.5 (MANE Select); coding-DNA position 528, one base deleted (C; older notation c.528delC).
Protein change: p.Ile177fs; shifts the reading frame from isoleucine 177.
Molecular consequence: frameshift variant.
Genome position (GRCh38, 1-based): chr11:128,911,801, C deleted; the last of 2 consecutive C bases (chr11:128,911,800-128,911,801); deleting either gives the same sequence. VCF-style (leftmost placement, unchanged base first): chr11-128911799-TC-T. GRCh37 (hg19) VCF-style: chr11-128781694-TC-T.
Other names: c.528del, p.Ile177fs (NM_001354169.2); short protein forms I177fs.
Identifiers: ClinVar variation 4738423 (VCV004738423.1).

ClinVar aggregate classification (germline): Uncertain significance (1 of 4 stars; one submission).

Conditions:
Long QT syndrome (LQTS). Identifiers: MedGen C0023976, MeSH D008133, MONDO:0002442. Disease mechanism: loss of function. Inheritance: Various modes of inheritance.

Submission:

Labcorp Genetics (formerly Invitae), Labcorp
Classification: Uncertain significance for Long QT syndrome. Last evaluated: 2026-01-13. Review status: criteria provided, single submitter. Criteria: Invitae Variant Classification Sherloc (09022015). Collection method: clinical testing. Allele origin: germline.
Comment: This sequence change creates a premature translational stop signal (p.Ile177Serfs*76) in the KCNJ5 gene. It is expected to result in an absent or disrupted protein product. However, the current clinical and genetic evidence is not sufficient to establish whether loss-of-function variants in KCNJ5 cause disease. This variant is present in population databases (rs759316975, gnomAD 0.003%). This variant has not been reported in the literature in individuals affected with KCNJ5-related conditions. In summary, the available evidence is currently insufficient to determine the role of this variant in disease. Therefore, it has been classified as a Variant of Uncertain Significance.